The following is an entry in ClinVar:

NM_001165963.4(SCN1A):c.5125A>G (p.Thr1709Ala)

Genes: SCN1A (sodium voltage-gated channel alpha subunit 1; minus strand), LOC102724058 (uncharacterized LOC102724058; plus strand). Cytogenetic location: 2q24.3.
Variant type: single nucleotide variant.
Coding change: c.5125A>G on transcript NM_001165963.4 (MANE Select); coding-DNA position 5125, A replaced by G.
Protein change: p.Thr1709Ala; replaces threonine 1709 with alanine.
Molecular consequence: missense variant. On other transcripts: non-coding transcript variant (1).
Genome position (GRCh38, 1-based): chr2:165,992,150, T>C on the plus strand (A>G on the coding strand, the complement: SCN1A is on the minus strand). VCF-style: chr2-165992150-T-C. GRCh37 (hg19) VCF-style: chr2-166848660-T-C.
Other names: c.5041A>G, p.Thr1681Ala (NM_001165964.3, NM_001353957.2, NM_001353958.2); c.5125A>G, p.Thr1709Ala (NM_001202435.3, NM_001353948.2); c.5092A>G, p.Thr1698Ala (NM_001353949.2, NM_001353950.2, NM_001353951.2 and 2 more transcripts); c.5089A>G, p.Thr1697Ala (NM_001353954.2, NM_001353955.2); c.5038A>G, p.Thr1680Ala (NM_001353960.2); c.2683A>G, p.Thr895Ala (NM_001353961.2); short protein forms T1681A, T1709A, T1698A, T895A, T1697A, T1680A.
Identifiers: ClinVar variation 644805 (VCV000644805.9), dbSNP rs1573950349, ClinGen allele CA349069074.

ClinVar aggregate classification (germline): Likely pathogenic (1 of 4 stars; one submission).

Conditions:
Early-infantile DEE. Also called: Early infantile epileptic encephalopathy with suppression bursts; Early infantile epileptic encephalopathy; Ohtahara syndrome. Identifiers: Orphanet 1934, MedGen C0393706, MONDO:0800491.

Submission:

Labcorp Genetics (formerly Invitae), Labcorp
Classification: Likely pathogenic for Early-infantile DEE. Last evaluated: 2024-04-01. Review status: criteria provided, single submitter. Criteria: Invitae Variant Classification Sherloc (09022015). Collection method: clinical testing. Allele origin: germline.
Comment: This sequence change replaces threonine, which is neutral and polar, with alanine, which is neutral and non-polar, at codon 1709 of the SCN1A protein (p.Thr1709Ala). This variant is not present in population databases (gnomAD no frequency). This variant has not been reported in the literature in individuals affected with SCN1A-related conditions. ClinVar contains an entry for this variant (Variation ID: 644805). Advanced modeling of protein sequence and biophysical properties (such as structural, functional, and spatial information, amino acid conservation, physicochemical variation, residue mobility, and thermodynamic stability) performed at Invitae indicates that this missense variant is expected to disrupt SCN1A protein function with a positive predictive value of 95%. This variant disrupts the p.Thr1709 amino acid residue in SCN1A. Other variant(s) that disrupt this residue have been determined to be pathogenic (PMID: 12566275, 15277629, 16210358, 35087721). This suggests that this residue is clinically significant, and that variants that disrupt this residue are likely to be disease-causing. In summary, the currently available evidence indicates that the variant is pathogenic, but additional data are needed to prove that conclusively. Therefore, this variant has been classified as Likely Pathogenic.

Literature cited by the submitters: PubMed 12566275; PubMed 15277629; PubMed 16210358; PubMed 35087721.